The following is an entry in ClinVar:

NM_006231.4(POLE):c.4565A>G (p.Gln1522Arg)

Gene: POLE (DNA polymerase epsilon, catalytic subunit; minus strand). Cytogenetic location: 12q24.33.
Variant type: single nucleotide variant.
Coding change: c.4565A>G on transcript NM_006231.4 (MANE Select); coding-DNA position 4565, A replaced by G.
Protein change: p.Gln1522Arg; replaces glutamine 1522 with arginine.
Molecular consequence: missense variant.
Genome position (GRCh38, 1-based): chr12:132,642,983, T>C on the plus strand (A>G on the coding strand, the complement: POLE is on the minus strand). VCF-style: chr12-132642983-T-C. GRCh37 (hg19) VCF-style: chr12-133219569-T-C.
Other names: short protein forms Q1522R.
Identifiers: ClinVar variation 1002298 (VCV001002298.12), dbSNP rs1257807287, ClinGen allele CA387379333.

ClinVar aggregate classification (germline): Uncertain significance. Review status: criteria provided, multiple submitters, no conflicts (2 of 4 stars). 3 submissions from 3 submitters: Uncertain significance (3). Last evaluated 2026-09-12.

Conditions:
POLE-related polyposis and colorectal cancer syndrome. Identifiers: MedGen CN324030, MONDO:0100287.
Hereditary cancer-predisposing syndrome. Also called: Neoplastic Syndromes, Hereditary; Hereditary neoplastic syndrome; Tumor predisposition; Hereditary Cancer Syndrome. Identifiers: Orphanet 140162, MedGen C0027672, MeSH D009386, MONDO:0015356.

Allele frequency attached by ClinVar (database versions not stated): gnomAD exomes below 0.00001.
gnomAD v4.1: 3 of 1,593,268 alleles (0.00019%); highest among the groups gnomAD compares: Non-Finnish European, 0.00026%; no homozygotes.

Submissions (3):

Hema, HEMA – Genetic and Molecular Diagnostic Laboratory
Classification: Uncertain significance for POLE-related polyposis and colorectal cancer syndrome. Last evaluated: 2026-09-12. Review status: criteria provided, single submitter. Criteria: HEMA Variant Classification Assertion Criteria. Collection method: clinical testing. Allele origin: germline.
Comment: The c.4565A>G p.(Gln1522Arg) variant is a transition from cytosine to thymine, resulting in the substitution of glutamine 1522 by arginine in the POLE protein. PM2_Supporting: Present at very low frequency in gnomAD. BP4: The computational metapredictor REVEL score = 0.267 ≤ 0.290, indicating that the variant would not have an effect on the POLE protein.

Ambry Genetics
Classification: Uncertain significance for Hereditary cancer-predisposing syndrome. Last evaluated: 2024-12-06. Review status: criteria provided, single submitter. Criteria: Ambry Variant Classification Scheme 2023. Collection method: clinical testing. Allele origin: germline.
Comment: The p.Q1522R variant (also known as c.4565A>G), located in coding exon 36 of the POLE gene, results from an A to G substitution at nucleotide position 4565. The glutamine at codon 1522 is replaced by arginine, an amino acid with highly similar properties. This amino acid position is conserved. In addition, the in silico prediction for this alteration is inconclusive. Since supporting evidence is limited at this time, the clinical significance of this alteration remains unclear.

Labcorp Genetics (formerly Invitae), Labcorp
Classification: Uncertain significance. Last evaluated: 2024-05-21. Review status: criteria provided, single submitter. Criteria: Invitae Variant Classification Sherloc (09022015). Collection method: clinical testing. Allele origin: germline.
Comment: This sequence change replaces glutamine, which is neutral and polar, with arginine, which is basic and polar, at codon 1522 of the POLE protein (p.Gln1522Arg). This variant is present in population databases (no rsID available, gnomAD 0.001%). This variant has not been reported in the literature in individuals affected with POLE-related conditions. ClinVar contains an entry for this variant (Variation ID: 1002298). Advanced modeling of protein sequence and biophysical properties (such as structural, functional, and spatial information, amino acid conservation, physicochemical variation, residue mobility, and thermodynamic stability) performed at Invitae indicates that this missense variant is not expected to disrupt POLE protein function with a negative predictive value of 80%. In summary, the available evidence is currently insufficient to determine the role of this variant in disease. Therefore, it has been classified as a Variant of Uncertain Significance.